The following is an entry in ClinVar:

NM_001365951.3(KIF1B):c.4258T>G (p.Ser1420Ala)

Gene: KIF1B (kinesin family member 1B; plus strand). Cytogenetic location: 1p36.22.
Variant type: single nucleotide variant.
Coding change: c.4258T>G on transcript NM_001365951.3 (MANE Select); coding-DNA position 4258, T replaced by G.
Protein change: p.Ser1420Ala; replaces serine 1420 with alanine.
Molecular consequence: missense variant.
Genome position (GRCh38, 1-based): chr1:10,361,779, T>G. VCF-style: chr1-10361779-T-G. GRCh37 (hg19) VCF-style: chr1-10421837-T-G.
Other names: c.4258T>G, p.Ser1420Ala (NM_001365952.1); c.4120T>G, p.Ser1374Ala (NM_015074.3); short protein forms S1374A, S1420A.
Identifiers: ClinVar variation 1738025 (VCV001738025.3), dbSNP rs1638430617, ClinGen allele CA338317637.
Genomic context (GRCh38, chr1:10,361,779, plus strand): 5'-ATCACCAAGGATGTGTGCATGGTCTTCTACTCCCGAGATGCCAAGATCTCACCACCACGC[T>G]CTCTGCGTAGCCTCTTTGGCAGCGGCTACTCAAAGTCACCAGATTCGTAAGTTTTTCACA-3'
Protein context (NP_001352880.1, residues 1410-1430): SRDAKISPPR[Ser1420Ala]LRSLFGSGYS

ClinVar aggregate classification (germline): Uncertain significance (1 of 4 stars; one submission).

Allele frequency attached by ClinVar (database versions not stated): TOPMed below 0.00001.

Submission:

Ambry Genetics
Classification: Uncertain significance. Last evaluated: 2025-05-17. Review status: criteria provided, single submitter. Criteria: Ambry Variant Classification Scheme 2023. Collection method: clinical testing. Allele origin: germline.
Comment: The p.S1374A variant (also known as c.4120T>G), located in coding exon 37 of the KIF1B gene, results from a T to G substitution at nucleotide position 4120. The serine at codon 1374 is replaced by alanine, an amino acid with similar properties. This amino acid position is conserved. In addition, the in silico prediction for this alteration is inconclusive. Since supporting evidence is limited at this time, the clinical significance of this alteration remains unclear.